The following is an entry in ClinVar:

NM_014363.6(SACS):c.12446C>G (p.Ser4149Ter)

Gene: SACS (sacsin molecular chaperone; minus strand). Cytogenetic location: 13q12.12.
Variant type: single nucleotide variant.
Coding change: c.12446C>G on transcript NM_014363.6 (MANE Select); coding-DNA position 12446, C replaced by G.
Protein change: p.Ser4149Ter; replaces serine 4149 with a stop codon.
Molecular consequence: nonsense.
Genome position (GRCh38, 1-based): chr13:23,331,430, G>C on the plus strand (C>G on the coding strand, the complement: SACS is on the minus strand). VCF-style: chr13-23331430-G-C. GRCh37 (hg19) VCF-style: chr13-23905569-G-C.
Other names: c.12005C>G, p.Ser4002Ter (NM_001278055.2); short protein forms S4002*, S4149*.
Identifiers: ClinVar variation 1711364 (VCV001711364.35), dbSNP rs2542155049, ClinGen allele CA387507724.

ClinVar aggregate classification (germline): Pathogenic/Likely pathogenic. Review status: criteria provided, multiple submitters, no conflicts (2 of 4 stars). 2 submissions from 2 submitters: Pathogenic (1); Likely pathogenic (1). Last evaluated 2024-01-04.

Conditions:
Spastic paraplegia. Identifiers: MedGen C0037772, HP:0001258.

Allele frequency attached by ClinVar (database versions not stated): gnomAD exomes below 0.00001.
gnomAD v4.1: 1 of 1,613,938 alleles (0.000062%); highest among the groups gnomAD compares: Non-Finnish European, 0.000085%; no homozygotes.

Submissions (2):

Labcorp Genetics (formerly Invitae), Labcorp
Classification: Pathogenic for Spastic paraplegia. Last evaluated: 2024-01-04. Review status: criteria provided, single submitter. Criteria: Invitae Variant Classification Sherloc (09022015). Collection method: clinical testing. Allele origin: germline.
Comment: This sequence change creates a premature translational stop signal (p.Ser4149*) in the SACS gene. While this is not anticipated to result in nonsense mediated decay, it is expected to disrupt the last 431 amino acid(s) of the SACS protein. This variant is not present in population databases (gnomAD no frequency). This variant has not been reported in the literature in individuals affected with SACS-related conditions. ClinVar contains an entry for this variant (Variation ID: 1711364). This variant disrupts a region of the SACS protein in which other variant(s) (p.Asn4549Asp) have been determined to be pathogenic (PMID: 15156359, 21507954). This suggests that this is a clinically significant region of the protein, and that variants that disrupt it are likely to be disease-causing. For these reasons, this variant has been classified as Pathogenic.

CeGaT Center for Human Genetics Tuebingen
Classification: Likely pathogenic. Last evaluated: 2022-08-01. Review status: criteria provided, single submitter. Criteria: CeGaT Center For Human Genetics Tuebingen Variant Classification Criteria Version 2. Collection method: clinical testing. Allele origin: germline. Affected: yes. Observed: 2 variant alleles.
Comment: SACS: PVS1:Strong, PM2

Literature cited by the submitters: PubMed 15156359 (cited by Labcorp Genetics (formerly Invitae), Labcorp); PubMed 21507954 (cited by Labcorp Genetics (formerly Invitae), Labcorp).